The following is an entry in ClinVar:

NM_130468.4(CHST14):c.1033dup (p.Arg345fs)

Gene: CHST14 (carbohydrate sulfotransferase 14; plus strand). Cytogenetic location: 15q15.1.
Variant type: Duplication.
Coding change: c.1033dup on transcript NM_130468.4 (MANE Select); coding-DNA position 1033, one base duplicated (C; older notation c.1033dupC).
Protein change: p.Arg345fs; shifts the reading frame from arginine 345.
Molecular consequence: frameshift variant.
Genome position (GRCh38, 1-based): chr15:40,472,246, C duplicated; the last of 6 consecutive C bases (chr15:40,472,241-40,472,246); duplicating any one gives the same sequence. VCF-style (leftmost placement, unchanged base first): chr15-40472240-G-GC. GRCh37 (hg19) VCF-style: chr15-40764439-G-GC.
Other names: short protein forms R345fs.
Identifiers: ClinVar variation 2444086 (VCV002444086.3), dbSNP rs774738190, ClinGen allele CA7481687.

ClinVar aggregate classification (germline): Conflicting classifications of pathogenicity. Review status: criteria provided, conflicting classifications (1 of 4 stars). 2 submissions from 2 submitters: Likely pathogenic (1); Uncertain significance (1). Last evaluated 2026-01-06.

Conditions:
Ehlers-Danlos syndrome, musculocontractural type 1. Identifiers: MedGen CN295219, MONDO:0020681, OMIM 601776.

Submissions (2):

Dasa
Classification: Likely pathogenic. Last evaluated: 2026-01-06. Review status: criteria provided, single submitter. Criteria: DASA Assertion Criteria. Collection method: clinical testing. Allele origin: germline.
Comment: NM_130468.4(CHST14):c.1033dup (p.Arg345Profs*10) is a frameshift variant in CHST14 predicted to alter the reading frame and introduce a premature termination codon and is predicted to result in an absent or altered protein product. Loss of function is an established disease mechanism for CHST14-associated disorders. This variant has been observed in affected individuals with CHST14-related disorders. Also, this variant is rare in population databases. Based on the currently available evidence, this variant is classified as likely pathogenic.

3billion
Classification: Uncertain significance for Ehlers-Danlos syndrome, musculocontractural type 1. Last evaluated: 2023-02-23. Review status: criteria provided, single submitter. Criteria: ACMG Guidelines, 2015. Collection method: clinical testing. Allele origin: unknown. Affected: yes.
Comment: The variant is observed at an extremely low frequency in the gnomAD v2.1.1 dataset (total allele frequency: <0.001%). This variant was predicted to result in a loss or disruption of normal protein function through protein truncation. The predicted truncated protein may be shortened by less than 10%. Therefore, this variant is classified as VUS according to the recommendation of ACMG/AMP guideline.